The following is an entry in ClinVar:

ClinVar aggregate classification (germline): Uncertain significance. Review status: criteria provided, multiple submitters, no conflicts (2 of 4 stars). 6 submissions from 6 submitters: Uncertain significance (4). 2 of the submissions do not count toward it. Last evaluated 2025-11-27.

Conditions:
Pulmonary hypertension, neonatal, susceptibility to (PHN). Identifiers: MedGen C3714958, MONDO:0014151, OMIM 615371.
Congenital hyperammonemia, type I. Also called: Carbamoyl-phosphate synthase I deficiency; Carbamoyl phosphate synthetase I deficiency disease; Carbamoyl phosphate synthetase 1 deficiency; Hyperammonemia due to carbamoyl phosphate synthetase 1 deficiency; CPS 1 deficiency; Carbamyl phosphate synthetase (CPS) deficiency. Identifiers: Orphanet 147, MedGen C4082171, MONDO:0009376, OMIM 237300.

Allele frequency attached by ClinVar (database versions not stated): gnomAD 0.00001; TOPMed 0.00001.
gnomAD v4.1: 8 of 1,612,170 alleles (0.0005%); highest among the groups gnomAD compares: African/African-American, 0.0027%; no homozygotes.

Submissions (6):

Labcorp Genetics (formerly Invitae), Labcorp
Classification: Uncertain significance for Congenital hyperammonemia, type I. Last evaluated: 2025-11-27. Review status: criteria provided, single submitter. Criteria: Invitae Variant Classification Sherloc (09022015). Collection method: clinical testing. Allele origin: germline.
Comment: This sequence change replaces alanine, which is neutral and non-polar, with valine, which is neutral and non-polar, at codon 1155 of the CPS1 protein (p.Ala1155Val). This variant is present in population databases (rs766125631, gnomAD 0.003%). This missense change has been observed in individual(s) with carbamoyl phosphate synthetase I deficiency (PMID: 21120950). ClinVar contains an entry for this variant (Variation ID: 477855). Invitae Evidence Modeling of protein sequence and biophysical properties (such as structural, functional, and spatial information, amino acid conservation, physicochemical variation, residue mobility, and thermodynamic stability) has been performed for this missense variant. However, the output from this modeling did not meet the statistical confidence thresholds required to predict the impact of this variant on CPS1 protein function. In summary, the available evidence is currently insufficient to determine the role of this variant in disease. Therefore, it has been classified as a Variant of Uncertain Significance.

Baylor Genetics
Classification: Uncertain significance for Pulmonary hypertension, neonatal, susceptibility to. Last evaluated: 2024-01-15. Review status: criteria provided, single submitter. Criteria: ACMG Guidelines, 2015. Collection method: clinical testing. Allele origin: unknown.

GeneDx
Classification: Uncertain significance. Last evaluated: 2023-11-11. Review status: criteria provided, single submitter. Criteria: GeneDx Variant Classification Process June 2021. Collection method: clinical testing. Allele origin: germline. Affected: yes.
Comment: Identified in an individual with suspected CPS1 deficiency, however, clinical information was not provided and a second CPS1 variant was not identified by sequence analysis (PMID: 21120950); Not observed at significant frequency in large population cohorts (gnomAD); In silico analysis supports that this missense variant has a deleterious effect on protein structure/function; In silico analysis suggests this variant may impact gene splicing. In the absence of RNA/functional studies, the actual effect of this sequence change is unknown.; This variant is associated with the following publications: (PMID: 34426522, 21120950)

Women's Health and Genetics/Laboratory Corporation of America, LabCorp
Classification: Uncertain significance. Last evaluated: 2022-08-23. Review status: criteria provided, single submitter. Criteria: LabCorp Variant Classification Summary - May 2015. Collection method: clinical testing. Allele origin: germline.
Comment: Variant summary: CPS1 c.3464C>T (p.Ala1155Val) results in a non-conservative amino acid change located in the ATP-binding domain (IPR005479) of the encoded protein sequence. Five of five in-silico tools predict a damaging effect of the variant on protein function. The variant allele was found at a frequency of 1.2e-05 in 251332 control chromosomes (gnomAD). The available data on variant occurrences in the general population are insufficient to allow any conclusion about variant significance. c.3464C>T has been reported in the literature in at least one individual affected with Carbamoylphosphate Synthetase I Deficiency (e.g. Haberle_2011). This report does not provide unequivocal conclusions about association of the variant with Carbamoylphosphate Synthetase I Deficiency. To our knowledge, no experimental evidence demonstrating an impact on protein function has been reported. Three clinical diagnostic laboratories have submitted clinical-significance assessments for this variant to ClinVar after 2014 and all classified the variant as uncertain significance. Based on the evidence outlined above, the variant was classified as uncertain significance.

Natera, Inc.
Classification: Uncertain significance for Carbamoyl-phosphate synthase I deficiency. Last evaluated: 2020-09-16. Review status: no assertion criteria provided. Collection method: clinical testing. Allele origin: germline. Not counted in ClinVar's aggregate classification.

Counsyl
Classification: Uncertain significance for Congenital hyperammonemia, type I. Last evaluated: 2017-10-27. Review status: no assertion criteria provided. Collection method: clinical testing. Allele origin: unknown. Not counted in ClinVar's aggregate classification.

Literature cited by the submitters: PubMed 21120950 (cited by 3 submitters).

NM_001875.5(CPS1):c.3464C>T (p.Ala1155Val)

Gene: CPS1 (carbamoyl-phosphate synthase 1; plus strand). Cytogenetic location: 2q34.
Variant type: single nucleotide variant.
Coding change: c.3464C>T on transcript NM_001875.5 (MANE Select); coding-DNA position 3464, C replaced by T.
Protein change: p.Ala1155Val; replaces alanine 1155 with valine.
Molecular consequence: missense variant. On other transcripts: non-coding transcript variant (2).
Genome position (GRCh38, 1-based): chr2:210,650,422, C>T. VCF-style: chr2-210650422-C-T. GRCh37 (hg19) VCF-style: chr2-211515146-C-T.
Other names: c.3464C>T (LRG_336t1); c.3464C>T, p.Ala1155Val (NM_001122633.3, NM_001369257.1); c.3497C>T, p.Ala1166Val (NM_001369256.1); short protein forms A1155V, A1166V.
Identifiers: ClinVar variation 477855 (VCV000477855.11), dbSNP rs766125631, ClinGen allele CA2086939.